The following is an entry in ClinVar:

ClinVar aggregate classification (germline): Uncertain significance (1 of 4 stars; one submission).

Conditions:
Hereditary cancer-predisposing syndrome. Also called: Neoplastic Syndromes, Hereditary; Tumor predisposition; Hereditary Cancer Syndrome; Hereditary neoplastic syndrome. Identifiers: Orphanet 140162, MedGen C0027672, MeSH D009386, MONDO:0015356.

Submission:

Ambry Genetics
Classification: Uncertain significance for Hereditary cancer-predisposing syndrome. Last evaluated: 2023-08-31. Review status: criteria provided, single submitter. Criteria: Ambry Variant Classification Scheme 2023. Collection method: clinical testing. Allele origin: germline.
Comment: The p.K1352N variant (also known as c.4056A>T), located in coding exon 10 of the MSH6 gene, results from an A to T substitution at nucleotide position 4056. The lysine at codon 1352 is replaced by asparagine, an amino acid with similar properties. This amino acid position is not well conserved in available vertebrate species. In addition, this alteration is predicted to be tolerated by in silico analysis. Since supporting evidence is limited at this time, the clinical significance of this alteration remains unclear.

NM_000179.3(MSH6):c.4056A>T (p.Lys1352Asn)

Gene: MSH6 (mutS homolog 6; plus strand). Cytogenetic location: 2p16.3.
Variant type: single nucleotide variant.
Coding change: c.4056A>T on transcript NM_000179.3 (MANE Select); coding-DNA position 4056, A replaced by T.
Protein change: p.Lys1352Asn; replaces lysine 1352 with asparagine.
Molecular consequence: missense variant.
Genome position (GRCh38, 1-based): chr2:47,806,833, A>T. VCF-style: chr2-47806833-A-T. GRCh37 (hg19) VCF-style: chr2-48033972-A-T.
Other names: c.3666A>T, p.Lys1222Asn (NM_001281492.2); c.3150A>T, p.Lys1050Asn (NM_001281493.2, NM_001281494.2, NM_001406811.1 and 6 more transcripts); c.4152A>T, p.Lys1384Asn (NM_001406795.1); c.4056A>T, p.Lys1352Asn (NM_001406796.1, NM_001406809.1); c.3759A>T, p.Lys1253Asn (NM_001406797.1, NM_001406805.1, NM_001406818.1 and 8 more transcripts); c.3882A>T, p.Lys1294Asn (NM_001406798.1); c.3531A>T, p.Lys1177Asn (NM_001406799.1, NM_001406806.1, NM_001406807.1); c.*77A>T (NM_001406800.1); and 9 more; short protein forms K1050N, K1326N, K1352N, K1064N, K1177N, K1253N, K1296N, K1354N.
Identifiers: ClinVar variation 1737411 (VCV001737411.3), dbSNP rs2530896927, ClinGen allele CA346761729.